The following is an entry in ClinVar:

GRCh38/hg38 2q13(chr2:110025659-110371270)x0

Genes: LIMS4 (LIM zinc finger domain containing 4; minus strand), MALL (mal, T cell differentiation protein like; minus strand), MIR4267 (microRNA 4267; minus strand), MIR4436B1 (microRNA 4436b-1; minus strand), MIR4436B2 (microRNA 4436b-2; plus strand) and 7 more. Cytogenetic location: 2q13.
Variant type: copy number loss.
Change: copy number 0 (both copies lost) of chr2:110,025,659-110,371,270 (345.6 kb, GRCh38 coordinates, 1-based), cytogenetic band 2q13.
Identifiers: ClinVar variation 57545 (VCV000057545.1).

ClinVar aggregate classification (germline): Pathogenic (1 of 4 stars; one submission).

Submission:

ISCA site 14
Classification: Pathogenic. Last evaluated: 2011-08-12. Review status: criteria provided, single submitter. Criteria: Kaminsky et al. (Genet Med. 2011). Collection method: clinical testing. Allele origin: unknown. Affected: yes. Observed: 1 variant allele.
Comment: Copy number variation identified through the course of routine clinical cytogenomic testing in postnatal populations. Clinical assertions have been curated as described in Kaminsky et al. 2011.